The following is an entry in ClinVar:

NM_001385682.1(MAP4):c.1882G>A (p.Val628Ile)

Gene: MAP4 (microtubule associated protein 4; minus strand). Cytogenetic location: 3p21.31.
Variant type: single nucleotide variant.
Coding change: c.1882G>A on transcript NM_001385682.1 (MANE Select); coding-DNA position 1882, G replaced by A.
Protein change: p.Val628Ile; replaces valine 628 with isoleucine.
Molecular consequence: missense variant. On other transcripts: intron variant (8).
Genome position (GRCh38, 1-based): chr3:47,914,934, C>T on the plus strand (G>A on the coding strand, the complement: MAP4 is on the minus strand). VCF-style: chr3-47914934-C-T. GRCh37 (hg19) VCF-style: chr3-47956424-C-T.
Other names: c.1882G>A, p.Val628Ile (NM_001384809.1, NM_001384810.1, NM_001384814.1 and 40 more transcripts); c.1813G>A, p.Val605Ile (NM_001384811.1, NM_001384816.1, NM_001384869.1 and 10 more transcripts); c.1768G>A, p.Val590Ile (NM_001384825.1, NM_001384841.1, NM_001384758.1 and 4 more transcripts); c.1645G>A, p.Val549Ile (NM_001384842.1, NM_001384843.1, NM_001384803.1 and 1 more transcripts); c.1561G>A, p.Val521Ile (NM_001384845.1, NM_001384867.1, NM_001384839.1); c.1690G>A, p.Val564Ile (NM_001384864.1, NM_001385676.1, NM_001384757.1 and 2 more transcripts); c.1759G>A, p.Val587Ile (NM_001384866.1, NM_001384868.1, NM_001384755.1 and 14 more transcripts); c.1918G>A, p.Val640Ile (NM_001384872.1, NM_001384875.1, NM_001385675.1 and 4 more transcripts); and 16 more; short protein forms V179I, V220I, V417I, V480I, V521I, V526I, V549I, V564I.
Identifiers: ClinVar variation 3060070 (VCV003060070.2), dbSNP rs1137524, ClinGen allele CA2371366.
Genomic context (GRCh38, chr3:47,914,934, plus strand): 5'-GTTTTTCTAACACAGAATCCTCCTCGGCCGGCAAGCTGCACTTTTTCCCCGTTCCTGTGA[C>T]GGTTTCTAAAGGTAATAACAAAAGCCACACACGTTTCAGAGAAGCATGATTTCAGCTATT-3'
Protein context (NP_001372611.1, residues 618-638): APTFMISPET[Val628Ile]TGTGKKCSLP

ClinVar aggregate classification (germline): Benign (0 of 4 stars; one submission).

Conditions:
MAP4-related disorder. Also called: MAP4-related condition.

Allele frequency attached by ClinVar (database versions not stated): gnomAD exomes 0.31397; 1000 Genomes Project 30x 0.39959; ExAC 0.33375; ESP Exome Variant Server 0.38821; 1000 Genomes Project 0.38878; gnomAD 0.36617; TOPMed 0.38619.
gnomAD v4.1: 515,628 of 1,613,292 alleles (32%); highest among the groups gnomAD compares: African/African-American, 52%; 85,574 homozygotes.

Submission:

PreventionGenetics, part of Exact Sciences
Classification: Benign for MAP4-related condition. Last evaluated: 2019-10-25. Review status: no assertion criteria provided. Collection method: clinical testing. Allele origin: germline.
Comment: This variant is classified as benign based on ACMG/AMP sequence variant interpretation guidelines (Richards et al. 2015 PMID: 25741868, with internal and published modifications).